The following is an entry in ClinVar:

ClinVar aggregate classification (germline): Uncertain significance (1 of 4 stars; one submission).

Submission:

Labcorp Genetics (formerly Invitae), Labcorp
Classification: Uncertain significance. Last evaluated: 2022-05-31. Review status: criteria provided, single submitter. Criteria: Invitae Variant Classification Sherloc (09022015). Collection method: clinical testing. Allele origin: germline.
Comment: This sequence change replaces valine, which is neutral and non-polar, with leucine, which is neutral and non-polar, at codon 54 of the SLC24A1 protein (p.Val54Leu). This variant is not present in population databases (gnomAD no frequency). This variant has not been reported in the literature in individuals affected with SLC24A1-related conditions. ClinVar contains an entry for this variant (Variation ID: 1350188). Algorithms developed to predict the effect of missense changes on protein structure and function (SIFT, PolyPhen-2, Align-GVGD) all suggest that this variant is likely to be tolerated. In summary, the available evidence is currently insufficient to determine the role of this variant in disease. Therefore, it has been classified as a Variant of Uncertain Significance.

NM_004727.3(SLC24A1):c.160G>C (p.Val54Leu)

Gene: SLC24A1 (solute carrier family 24 member 1; plus strand). Cytogenetic location: 15q22.31.
Variant type: single nucleotide variant.
Coding change: c.160G>C on transcript NM_004727.3 (MANE Select); coding-DNA position 160, G replaced by C.
Protein change: p.Val54Leu; replaces valine 54 with leucine.
Molecular consequence: missense variant.
Genome position (GRCh38, 1-based): chr15:65,624,240, G>C. VCF-style: chr15-65624240-G-C. GRCh37 (hg19) VCF-style: chr15-65916578-G-C.
Other names: c.160G>C, p.Val54Leu (NM_001301031.1, NM_001301032.1, NM_001301033.2); short protein forms V54L.
Identifiers: ClinVar variation 1350188 (VCV001350188.6), dbSNP rs1178586008, ClinGen allele CA392912526.